The following is an entry in ClinVar:

NM_004655.4(AXIN2):c.1900C>T (p.Pro634Ser)

Gene: AXIN2 (axin 2; minus strand). Cytogenetic location: 17q24.1.
Variant type: single nucleotide variant.
Coding change: c.1900C>T on transcript NM_004655.4 (MANE Select); coding-DNA position 1900, C replaced by T.
Protein change: p.Pro634Ser; replaces proline 634 with serine.
Molecular consequence: missense variant. On other transcripts: intron variant (1).
Genome position (GRCh38, 1-based): chr17:65,536,876, G>A on the plus strand (C>T on the coding strand, the complement: AXIN2 is on the minus strand). VCF-style: chr17-65536876-G-A. GRCh37 (hg19) VCF-style: chr17-63532994-G-A.
Other names: c.1900C>T (LRG_296t1); c.1713-323C>T (NM_001363813.1); short protein forms P634S.
Identifiers: ClinVar variation 464579 (VCV000464579.21), dbSNP rs141699123, ClinGen allele CA8718499.

ClinVar aggregate classification (germline): Conflicting classifications of pathogenicity. Review status: criteria provided, conflicting classifications (1 of 4 stars). 6 submissions from 6 submitters: Uncertain significance (5); Likely benign (1). Last evaluated 2026-02-02.

Conditions:
AXIN2-related disorder.
Colorectal cancer. Also called: Malignant Colorectal Neoplasm; Colorectal cancer, somatic. Identifiers: MedGen C0346629, MONDO:0005575, OMIM 114500.
Oligodontia-cancer predisposition syndrome. Also called: TOOTH AGENESIS-COLORECTAL CANCER SYNDROME. Identifiers: Orphanet 300576, MedGen C1837750, MONDO:0012075, OMIM 608615. Disease mechanism: loss of function.
Hereditary cancer-predisposing syndrome. Also called: Tumor predisposition; Hereditary neoplastic syndrome; Neoplastic Syndromes, Hereditary; Hereditary Cancer Syndrome. Identifiers: Orphanet 140162, MedGen C0027672, MeSH D009386, MONDO:0015356.

Allele frequency attached by ClinVar (database versions not stated): gnomAD 0.00001; TOPMed 0.00003; ExAC 0.00004; gnomAD exomes 0.00004; ESP Exome Variant Server 0.00008.

Submissions (6):

Labcorp Genetics (formerly Invitae), Labcorp
Classification: Uncertain significance for Oligodontia-cancer predisposition syndrome. Last evaluated: 2026-02-02. Review status: criteria provided, single submitter. Criteria: Invitae Variant Classification Sherloc (09022015). Collection method: clinical testing. Allele origin: germline.
Comment: This sequence change replaces proline, which is neutral and non-polar, with serine, which is neutral and polar, at codon 634 of the AXIN2 protein (p.Pro634Ser). This variant is present in population databases (rs141699123, gnomAD 0.03%). This variant has not been reported in the literature in individuals affected with AXIN2-related conditions. ClinVar contains an entry for this variant (Variation ID: 464579). Invitae Evidence Modeling of protein sequence and biophysical properties (such as structural, functional, and spatial information, amino acid conservation, physicochemical variation, residue mobility, and thermodynamic stability) indicates that this missense variant is not expected to disrupt AXIN2 protein function with a negative predictive value of 80%. In summary, the available evidence is currently insufficient to determine the role of this variant in disease. Therefore, it has been classified as a Variant of Uncertain Significance.

PreventionGenetics, part of Exact Sciences
Classification: Uncertain significance for AXIN2-related condition. Last evaluated: 2025-05-27. Review status: criteria provided, single submitter. Criteria: ACMG Guidelines, 2015. Collection method: clinical testing. Allele origin: germline.
Comment: The AXIN2 c.1900C>T variant is predicted to result in the amino acid substitution p.Pro634Ser. To our knowledge, this variant has not been reported in the literature. This variant is reported in 0.025% of alleles in individuals of Latino descent in gnomAD. This variant has conflicting interpretations in ClinVar ranging from uncertain to likely benign. At this time, the clinical significance of this variant is uncertain due to the absence of conclusive functional and genetic evidence.

Quest Diagnostics Nichols Institute San Juan Capistrano
Classification: Uncertain significance. Last evaluated: 2024-11-03. Review status: criteria provided, single submitter. Criteria: Quest Diagnostics criteria. Collection method: clinical testing. Allele origin: unknown.
Comment: The AXIN2 c.1900C>T (p.Pro634Ser) variant has not been reported in individuals with AXIN2-related conditions in the published literature. The frequency of this variant in the general population, 0.00025 (9/35438 chromosomes in Admixed American subpopulation (Genome Aggregation Database)), is higher than would generally be expected for pathogenic variants in this gene. Analysis of this variant using bioinformatics tools for the prediction of the effect of amino acid changes on protein structure and function yielded predictions that this variant is benign. Based on the available information, we are unable to determine the clinical significance of this variant.

GeneDx
Classification: Uncertain significance. Last evaluated: 2024-09-16. Review status: criteria provided, single submitter. Criteria: GeneDx Variant Classification Process June 2021. Collection method: clinical testing. Allele origin: germline. Affected: yes.
Comment: In silico analysis indicates that this missense variant does not alter protein structure/function; Has not been previously published as pathogenic or benign to our knowledge

Fulgent Genetics
Classification: Uncertain significance for Colorectal cancer; Oligodontia-cancer predisposition syndrome. Last evaluated: 2024-05-10. Review status: criteria provided, single submitter. Criteria: ACMG Guidelines, 2015. Collection method: clinical testing. Allele origin: germline.

Ambry Genetics
Classification: Likely benign for Hereditary cancer-predisposing syndrome. Last evaluated: 2023-09-23. Review status: criteria provided, single submitter. Criteria: Ambry Variant Classification Scheme 2023. Collection method: clinical testing. Allele origin: germline.